The following is an entry in ClinVar:

ClinVar aggregate classification (germline): Pathogenic/Likely pathogenic. Review status: criteria provided, multiple submitters, no conflicts (2 of 4 stars). 3 submissions from 3 submitters: Pathogenic (2); Likely pathogenic (1). Last evaluated 2024-09-06.

Conditions:
Familial cancer of breast. Also called: BREAST CANCER, FAMILIAL; Hereditary breast cancer; hereditary breast carcinoma. Identifiers: Orphanet 227535, MedGen C0346153, MONDO:0016419, OMIM 114480. Disease mechanism: loss of function.
Ataxia-telangiectasia syndrome (AT). Also called: Ataxia-telangiectasia; LOUIS-BAR SYNDROME; Ataxia-telangiectasia, complementation group D; AT, COMPLEMENTATION GROUP C; ATAXIA-TELANGIECTASIA, COMPLEMENTATION GROUP A; ATAXIA-TELANGIECTASIA, FRESNO VARIANT. Identifiers: Orphanet 100, MedGen C0004135, MONDO:0008840, OMIM 208900.

Submissions (3):

Natera, Inc.
Classification: Likely pathogenic for Ataxia-telangiectasia. Last evaluated: 2024-09-06. Review status: criteria provided, single submitter. Criteria: Natera Variant Classification Schema (03/2026). Collection method: clinical testing. Allele origin: germline.
Comment: The c.5839del variant in ATM is a frameshift variant predicted to shift the reading frame beginning at codon 1947 and leads to a stop codon 43 codons downstream. This variant is expected to result in nonsense mediated decay, truncation, or a dysfunctional protein product. This variant is rare in the general population with a frequency below the threshold expected for the associated phenotype(s). Given the available evidence, this variant is classified as Likely Pathogenic.

Myriad Genetics, Inc.
Classification: Pathogenic for Familial cancer of breast. Last evaluated: 2023-02-23. Review status: criteria provided, single submitter. Criteria: Myriad Autosomal Dominant, Autosomal Recessive and X-Linked Classification Criteria (2023). Collection method: clinical testing. Allele origin: unknown.
Comment: This variant is considered pathogenic. This variant creates a frameshift predicted to result in premature protein truncation.

Labcorp Genetics (formerly Invitae), Labcorp
Classification: Pathogenic for Ataxia-telangiectasia syndrome. Last evaluated: 2021-04-24. Review status: criteria provided, single submitter. Criteria: Invitae Variant Classification Sherloc (09022015). Collection method: clinical testing. Allele origin: germline.
Comment: This sequence change creates a premature translational stop signal (p.Ser1947Leufs*43) in the ATM gene. It is expected to result in an absent or disrupted protein product. Loss-of-function variants in ATM are known to be pathogenic (PMID: 23807571, 25614872). For these reasons, this variant has been classified as Pathogenic. This variant has not been reported in the literature in individuals with ATM-related conditions. This variant is not present in population databases (ExAC no frequency).

Literature cited by the submitters: PubMed 23807571 (cited by Labcorp Genetics (formerly Invitae), Labcorp); PubMed 25614872 (cited by Labcorp Genetics (formerly Invitae), Labcorp).

NM_000051.4(ATM):c.5839del (p.Ser1947fs)

Genes: ATM (ATM serine/threonine kinase; plus strand), C11orf65 (chromosome 11 open reading frame 65; minus strand). Cytogenetic location: 11q22.3.
Variant type: Deletion.
Coding change: c.5839del on transcript NM_000051.4 (MANE Select); coding-DNA position 5839, one base deleted (T; older notation c.5839delT).
Protein change: p.Ser1947fs; shifts the reading frame from serine 1947.
Molecular consequence: frameshift variant. On other transcripts: intron variant (2).
Genome position (GRCh38, 1-based): chr11:108,310,236, T deleted. VCF-style (leftmost placement, unchanged base first): chr11-108310235-GT-G. GRCh37 (hg19) VCF-style: chr11-108180962-GT-G.
Other names: c.5839delT, p.Ser1947Leufs (NM_000051.3); c.5839del, p.Ser1947fs (NM_001351834.2); c.641-1165del (NM_001330368.2); c.*39-1165del (NM_001351110.2); short protein forms S1947fs.
Identifiers: ClinVar variation 1457303 (VCV001457303.7), dbSNP rs2136015541, ClinGen allele CA2573146730.
Genomic context (GRCh38, chr11:108,310,235, plus strand): 5'-AATTTTTAATGATGCTTTCTGGCTGGATTTAAATTATCTAGAAGTTGCCAAGGTAGCTCA[GT>G]CTTGTGCTGCTCACTTTACAGCTTTACTCTATGCAGAAATCTATGCAGATAAGAAAAGTA-3'